The following is an entry in ClinVar:

NM_182914.3(SYNE2):c.5728G>A (p.Val1910Met)

Gene: SYNE2 (spectrin repeat containing nuclear envelope protein 2; plus strand). Cytogenetic location: 14q23.2.
Variant type: single nucleotide variant.
Coding change: c.5728G>A on transcript NM_182914.3 (MANE Select); coding-DNA position 5728, G replaced by A.
Protein change: p.Val1910Met; replaces valine 1910 with methionine.
Molecular consequence: missense variant.
Genome position (GRCh38, 1-based): chr14:64,024,347, G>A. VCF-style: chr14-64024347-G-A. GRCh37 (hg19) VCF-style: chr14-64491065-G-A.
Other names: c.5728G>A, p.Val1910Met (NM_015180.6); short protein forms V1910M.
Identifiers: ClinVar variation 849090 (VCV000849090.10), dbSNP rs2096960883, ClinGen allele CA389943698.

ClinVar aggregate classification (germline): Uncertain significance (1 of 4 stars; one submission).

Conditions:
Emery-Dreifuss muscular dystrophy 5, autosomal dominant (EDMD5). Also called: EMERY-DREIFUSS MUSCULAR DYSTROPHY 5. Identifiers: Orphanet 261, MedGen C2751805, MONDO:0013072, OMIM 612999.

Submission:

Labcorp Genetics (formerly Invitae), Labcorp
Classification: Uncertain significance for Emery-Dreifuss muscular dystrophy 5, autosomal dominant. Last evaluated: 2019-12-23. Review status: criteria provided, single submitter. Criteria: Invitae Variant Classification Sherloc (09022015). Collection method: clinical testing. Allele origin: germline.
Comment: In summary, the available evidence is currently insufficient to determine the role of this variant in disease. Therefore, it has been classified as a Variant of Uncertain Significance. Algorithms developed to predict the effect of missense changes on protein structure and function are either unavailable or do not agree on the potential impact of this missense change (SIFT: "Deleterious"; PolyPhen-2: "Probably Damaging"; Align-GVGD: "Class C0"). This variant has not been reported in the literature in individuals with SYNE2-related conditions. This variant is not present in population databases (ExAC no frequency). This sequence change replaces valine with methionine at codon 1910 of the SYNE2 protein (p.Val1910Met). The valine residue is weakly conserved and there is a small physicochemical difference between valine and methionine.